The following is an entry in ClinVar:

NM_001352754.2(ARMC9):c.964AAG[1] (p.Lys323del)

Gene: ARMC9 (armadillo repeat containing 9; plus strand). Cytogenetic location: 2q37.1.
Variant type: Microsatellite.
Coding change: c.964AAG[1] on transcript NM_001352754.2 (MANE Select); one copy of the 3-base unit AAG starting at c.964; the reference has two copies in a row; one copy, 3 bases deleted.
Protein change: p.Lys323del; deletes lysine 323.
Molecular consequence: inframe deletion. On other transcripts: non-coding transcript variant (1).
Genome position (GRCh38, 1-based): chr2:231,259,043-231,259,045, AAG deleted; deleting any 3 consecutive bases within chr2:231,259,039-231,259,045 gives the same sequence; the position shown is the placement nearest the transcript's 3' end. VCF-style (leftmost placement, unchanged base first): chr2-231259038-TGAA-T. GRCh37 (hg19) VCF-style: chr2-232123751-TGAA-T.
Other names: c.964AAG[1], p.Lys323del (NM_001271466.4, NM_001291656.2, NM_001352755.2 and 3 more transcripts); c.865AAG[1], p.Lys290del (NM_001352757.2, NM_001352758.2); short protein forms K290del, K323del.
Identifiers: ClinVar variation 1499504 (VCV001499504.9), dbSNP rs2125408169, ClinGen allele CA2580616740.
Genomic context (GRCh38, chr2:231,259,038, plus strand): 5'-TGTTGCTGAGTAGGAAATTGAAGGATGTCCCATTACTGCCCTCCTTGGATTATGAGAAAC[TGAA>T]GAAGGATTTGATTTTGGGGAGTGACCGCTTGAAAGCCTTCTTGTTGCAGGCTCTGCGCTG-3'

ClinVar aggregate classification (germline): Uncertain significance. Review status: criteria provided, multiple submitters, no conflicts (2 of 4 stars). 2 submissions from 2 submitters: Uncertain significance (2). Last evaluated 2022-11-01.

Submissions (2):

Labcorp Genetics (formerly Invitae), Labcorp
Classification: Uncertain significance. Last evaluated: 2022-11-01. Review status: criteria provided, single submitter. Criteria: Invitae Variant Classification Sherloc (09022015). Collection method: clinical testing. Allele origin: germline.
Comment: Experimental studies and prediction algorithms are not available or were not evaluated, and the functional significance of this variant is currently unknown. In summary, the available evidence is currently insufficient to determine the role of this variant in disease. Therefore, it has been classified as a Variant of Uncertain Significance. This variant has not been reported in the literature in individuals affected with ARMC9-related conditions. This variant, c.967_969del, is a complex sequence change that results in the deletion of one amino acid(s) in the ARMC9 protein (p.Lys323del). This variant is not present in population databases (gnomAD no frequency).

Blueprint Genetics
Classification: Uncertain significance. Last evaluated: 2022-06-07. Review status: criteria provided, single submitter. Criteria: ACMG Guidelines, 2015. Collection method: clinical testing. Allele origin: germline.